The following is an entry in ClinVar:

ClinVar aggregate classification (germline): Uncertain significance (1 of 4 stars; one submission).

Conditions:
RYR1-related disorder. Also called: RYR1-related condition; RYR1-related disorders. Identifiers: MedGen CN239331.

gnomAD v4.1: 1 of 1,005,964 alleles (0.000099%); highest among the groups gnomAD compares: Non-Finnish European, 0.00012%; no homozygotes.

Submission:

Labcorp Genetics (formerly Invitae), Labcorp
Classification: Uncertain significance for RYR1-related disorder. Last evaluated: 2025-10-17. Review status: criteria provided, single submitter. Criteria: Invitae Variant Classification Sherloc (09022015). Collection method: clinical testing. Allele origin: germline.
Comment: This sequence change replaces alanine, which is neutral and non-polar, with threonine, which is neutral and polar, at codon 4290 of the RYR1 protein (p.Ala4290Thr). This variant is not present in population databases (gnomAD no frequency). This variant has not been reported in the literature in individuals affected with RYR1-related conditions. Invitae Evidence Modeling of protein sequence and biophysical properties (such as structural, functional, and spatial information, amino acid conservation, physicochemical variation, residue mobility, and thermodynamic stability) indicates that this missense variant is not expected to disrupt RYR1 protein function with a negative predictive value of 80%. In summary, the available evidence is currently insufficient to determine the role of this variant in disease. Therefore, it has been classified as a Variant of Uncertain Significance.

NM_000540.3(RYR1):c.12868G>A (p.Ala4290Thr)

Gene: RYR1 (ryanodine receptor 1; plus strand). Cytogenetic location: 19q13.2.
Variant type: single nucleotide variant.
Coding change: c.12868G>A on transcript NM_000540.3 (MANE Select); coding-DNA position 12868, G replaced by A.
Protein change: p.Ala4290Thr; replaces alanine 4290 with threonine.
Molecular consequence: missense variant.
Genome position (GRCh38, 1-based): chr19:38,565,202, G>A. VCF-style: chr19-38565202-G-A. GRCh37 (hg19) VCF-style: chr19-39055842-G-A.
Other names: c.12853G>A, p.Ala4285Thr (NM_001042723.2); short protein forms A4285T, A4290T.
Identifiers: ClinVar variation 4706519 (VCV004706519.1).